The following is an entry in ClinVar:

ClinVar aggregate classification (germline): Conflicting classifications of pathogenicity. Review status: criteria provided, conflicting classifications (1 of 4 stars). 4 submissions from 4 submitters: Uncertain significance (3); Likely benign (1). Last evaluated 2025-08-07.

Conditions:
Inborn genetic diseases. Identifiers: MedGen C0950123, MeSH D030342.

Allele frequency attached by ClinVar (database versions not stated): gnomAD exomes 0.00002 and 0.00004; gnomAD 0.00003; TOPMed 0.00004; ExAC 0.00006.
gnomAD v4.1: 38 of 1,613,620 alleles (0.0024%); highest among the groups gnomAD compares: Middle Eastern, 0.016%; no homozygotes.

Submissions (4):

Ambry Genetics
Classification: Uncertain significance for Inborn genetic diseases. Last evaluated: 2025-08-07. Review status: criteria provided, single submitter. Criteria: Ambry Variant Classification Scheme 2023. Collection method: clinical testing. Allele origin: germline.

Labcorp Genetics (formerly Invitae), Labcorp
Classification: Likely benign. Last evaluated: 2023-10-20. Review status: criteria provided, single submitter. Criteria: Invitae Variant Classification Sherloc (09022015). Collection method: clinical testing. Allele origin: germline.

GeneDx
Classification: Uncertain significance. Last evaluated: 2023-03-07. Review status: criteria provided, single submitter. Criteria: GeneDx Variant Classification Process June 2021. Collection method: clinical testing. Allele origin: germline. Affected: yes.
Comment: In silico analysis supports that this missense variant does not alter protein structure/function; Has not been previously published as pathogenic or benign to our knowledge

Laboratory for Molecular Medicine, Mass General Brigham Personalized Medicine
Classification: Uncertain significance. Last evaluated: 2020-03-11. Review status: criteria provided, single submitter. Criteria: LMM Criteria. Collection method: clinical testing. Allele origin: germline. Observed: 1 variant allele.
Comment: The p.Arg1763Gln variant in MYO15A has not been previously reported in individuals with hearing loss but has been identified in 0.02% (3/15462) of African chromosomes by gnomAD. Computational prediction tools and conservation analyses do not provide strong support for or against an impact to the protein. In summary, the clinical significance of this variant is uncertain. ACMG/AMP Criteria applied: PM2_Supporting.

NM_016239.4(MYO15A):c.5288G>A (p.Arg1763Gln)

Gene: MYO15A (myosin XVA; plus strand). Cytogenetic location: 17p11.2.
Variant type: single nucleotide variant.
Coding change: c.5288G>A on transcript NM_016239.4 (MANE Select); coding-DNA position 5288, G replaced by A.
Protein change: p.Arg1763Gln; replaces arginine 1763 with glutamine.
Molecular consequence: missense variant.
Genome position (GRCh38, 1-based): chr17:18,140,593, G>A. VCF-style: chr17-18140593-G-A. GRCh37 (hg19) VCF-style: chr17-18043907-G-A.
Other names: c.5288G>A (NM_016239.3); short protein forms R1763Q.
Identifiers: ClinVar variation 929905 (VCV000929905.9), dbSNP rs780165350, ClinGen allele CA8424224.
Genomic context (GRCh38, chr17:18,140,593, plus strand): 5'-TCTCCAGCCATGCCCCACAGGCTGCCCCTCAGCGCCTGGGCAAGAGCAGCTCCGTCACTC[G>A]GCTCTACAAGGCGCACACTGTGGCCGCCAAGTTCCAGCAGTCACTCCTGGATCTGGTGGA-3'
Protein context (NP_057323.3, residues 1753-1773): QRLGKSSSVT[Arg1763Gln]LYKAHTVAAK